The following is an entry in ClinVar:

ClinVar aggregate classification (germline): Uncertain significance (1 of 4 stars; one submission).

Submission:

Labcorp Genetics (formerly Invitae), Labcorp
Classification: Uncertain significance. Last evaluated: 2022-04-15. Review status: criteria provided, single submitter. Criteria: Invitae Variant Classification Sherloc (09022015). Collection method: clinical testing. Allele origin: germline.
Comment: In summary, the available evidence is currently insufficient to determine the role of this variant in disease. Therefore, it has been classified as a Variant of Uncertain Significance. Algorithms developed to predict the effect of missense changes on protein structure and function are either unavailable or do not agree on the potential impact of this missense change (SIFT: "Deleterious"; PolyPhen-2: "Probably Damaging"; Align-GVGD: "Class C0"). This variant has not been reported in the literature in individuals affected with ATP1A1-related conditions. This variant is not present in population databases (gnomAD no frequency). This sequence change replaces threonine, which is neutral and polar, with methionine, which is neutral and non-polar, at codon 296 of the ATP1A1 protein (p.Thr296Met).

NM_000701.8(ATP1A1):c.887C>T (p.Thr296Met)

Gene: ATP1A1 (ATPase Na+/K+ transporting subunit alpha 1; plus strand). Cytogenetic location: 1p13.1.
Variant type: single nucleotide variant.
Coding change: c.887C>T on transcript NM_000701.8 (MANE Select); coding-DNA position 887, C replaced by T.
Protein change: p.Thr296Met; replaces threonine 296 with methionine.
Molecular consequence: missense variant.
Genome position (GRCh38, 1-based): chr1:116,389,571, C>T. VCF-style: chr1-116389571-C-T. GRCh37 (hg19) VCF-style: chr1-116932193-C-T.
Other names: c.887C>T, p.Thr296Met (NM_001160233.2); c.794C>T, p.Thr265Met (NM_001160234.2); short protein forms T296M, T265M.
Identifiers: ClinVar variation 2126504 (VCV002126504.4), dbSNP rs2101045438, ClinGen allele CA341843924.